The following is an entry in ClinVar:

ClinVar aggregate classification (germline): Conflicting classifications of pathogenicity. Review status: criteria provided, conflicting classifications (1 of 4 stars). 5 submissions from 3 submitters: Uncertain significance (1); Benign (2); Likely benign (2). Last evaluated 2025-04-18.

Conditions:
Bronchiectasis with or without elevated sweat chloride 1 (BESC1). Also called: Cystic Fibrosis-Like Syndrome. Identifiers: Orphanet 60033, MedGen C2749757, MONDO:0008887, OMIM 211400.
Pseudohypoaldosteronism, type IB1, autosomal recessive. Also called: Autosomal recessive pseudohypoaldosteronism type 1; PHA I, AUTOSOMAL RECESSIVE; Pseudohypoaldosteronism, Type I, Autosomal Recessive; Pseudohypoaldosteronism, Type I, Recessive. Identifiers: Orphanet 171876, Orphanet 756, MedGen C5774176, MONDO:0009917, OMIM 264350.
Liddle syndrome 1 (LIDLS1). Also called: PSEUDOALDOSTERONISM. Identifiers: Orphanet 526, MedGen CN031472, MONDO:0020607, OMIM 177200.

Allele frequency attached by ClinVar (database versions not stated): 1000 Genomes Project 0.00020; ESP Exome Variant Server 0.00031; TOPMed 0.00043; ExAC 0.00046; gnomAD exomes 0.00046; 1000 Genomes Project 30x 0.00047.
gnomAD v4.1: 1,116 of 1,614,026 alleles (0.069%); highest among the groups gnomAD compares: Non-Finnish European, 0.087%; no homozygotes.

Submissions (5):

Labcorp Genetics (formerly Invitae), Labcorp
Classification: Likely benign. Last evaluated: 2025-04-18. Review status: criteria provided, single submitter. Criteria: Invitae Variant Classification Sherloc (09022015). Collection method: clinical testing. Allele origin: germline.

Blueprint Genetics
Classification: Likely benign. Last evaluated: 2024-11-19. Review status: criteria provided, single submitter. Criteria: ACMG Guidelines, 2015. Collection method: clinical testing. Allele origin: germline.

Illumina Laboratory Services, Illumina
Classification: Benign for Liddle syndrome 1. Last evaluated: 2018-01-12. Review status: criteria provided, single submitter. Criteria: ICSL Variant Classification Criteria 13 December 2019. Collection method: clinical testing. Allele origin: germline.
Comment: This variant was observed in the ICSL laboratory as part of a predisposition screen in an ostensibly healthy population. It had not been previously curated by ICSL or reported in the Human Gene Mutation Database (HGMD: prior to June 1st, 2018), and was therefore a candidate for classification through an automated scoring system. Utilizing variant allele frequency, disease prevalence and penetrance estimates, and inheritance mode, an automated score was calculated to assess if this variant is too frequent to cause the disease. Based on the score and internal cut-off values, a variant classified as benign is not then subjected to further curation. The score for this variant resulted in a classification of benign for this disease.

Illumina Laboratory Services, Illumina
Classification: Uncertain significance for Pseudohypoaldosteronism, type IB1, autosomal recessive. Last evaluated: 2018-01-12. Review status: criteria provided, single submitter. Criteria: ICSL Variant Classification Criteria 13 December 2019. Collection method: clinical testing. Allele origin: germline.

Illumina Laboratory Services, Illumina
Classification: Benign for Bronchiectasis with or without elevated sweat chloride 1. Last evaluated: 2018-01-12. Review status: criteria provided, single submitter. Criteria: ICSL Variant Classification Criteria 13 December 2019. Collection method: clinical testing. Allele origin: germline.
Comment: the same text as in the submission from Illumina Laboratory Services, Illumina above.

NM_000336.3(SCNN1B):c.1346+8C>T

Gene: SCNN1B (sodium channel epithelial 1 subunit beta; plus strand). Cytogenetic location: 16p12.2.
Variant type: single nucleotide variant.
Coding change: c.1346+8C>T on transcript NM_000336.3 (MANE Select); 8 bases into the intron after coding-DNA position 1346, C replaced by T.
Molecular consequence: intron variant.
Genome position (GRCh38, 1-based): chr16:23,377,248, C>T. VCF-style: chr16-23377248-C-T. GRCh37 (hg19) VCF-style: chr16-23388569-C-T.
Identifiers: ClinVar variation 318437 (VCV000318437.12), dbSNP rs200714599, ClinGen allele CA7960467.